The following is an entry in ClinVar:

NM_000685.5(AGTR1):c.-17C>T

Gene: AGTR1 (angiotensin II receptor type 1; plus strand). Cytogenetic location: 3q24.
Variant type: single nucleotide variant.
Coding change: c.-17C>T on transcript NM_000685.5 (MANE Select); 17 bases upstream of the start codon, C replaced by T.
Molecular consequence: 5 prime UTR variant.
Genome position (GRCh38, 1-based): chr3:148,741,019, C>T. VCF-style: chr3-148741019-C-T. GRCh37 (hg19) VCF-style: chr3-148458806-C-T.
Other names: c.-17C>T (NM_001382736.1, NM_001382737.1, NM_004835.5 and 3 more transcripts); c.89C>T (NM_031850.3).
Identifiers: ClinVar variation 2634148 (VCV002634148.2), dbSNP rs376789057, ClinGen allele CA2657263.

ClinVar aggregate classification (germline): Conflicting classifications of pathogenicity. Review status: criteria provided, conflicting classifications (1 of 4 stars). 2 submissions from 2 submitters: Uncertain significance (1); Likely benign (1). Last evaluated 2024-02-28.

Conditions:
Essential hypertension, genetic (EHT). Identifiers: MedGen CN305331, MONDO:0007781, OMIM 145500.
Renal tubular dysgenesis of genetic origin. Also called: PRIMITIVE RENAL TUBULE SYNDROME. Identifiers: Orphanet 97369, MedGen C5681536, MONDO:0009970, OMIM 267430.
AGTR1-related disorder. Also called: AGTR1-related condition.

Allele frequency attached by ClinVar (database versions not stated): gnomAD 0.00013; TOPMed 0.00013; ExAC 0.00017; gnomAD exomes 0.00024; ESP Exome Variant Server 0.00008.
gnomAD v4.1: 363 of 1,613,332 alleles (0.023%); highest among the groups gnomAD compares: Middle Eastern, 0.049%; 2 homozygotes.

Submissions (2):

Fulgent Genetics
Classification: Likely benign for Essential hypertension, genetic; Renal tubular dysgenesis of genetic origin. Last evaluated: 2024-02-28. Review status: criteria provided, single submitter. Criteria: ACMG Guidelines, 2015. Collection method: clinical testing. Allele origin: germline.

PreventionGenetics, part of Exact Sciences
Classification: Uncertain significance for AGTR1-related condition. Last evaluated: 2022-11-03. Review status: criteria provided, single submitter. Criteria: ACMG Guidelines, 2015. Collection method: clinical testing. Allele origin: germline.
Comment: The AGTR1 c.71C>T variant is predicted to result in the amino acid substitution p.Ser24Leu. To our knowledge, this variant has not been reported in the literature. This variant is reported in 0.019% of alleles in individuals of European (Non-Finnish) descent in gnomAD. At this time, the clinical significance of this variant is uncertain due to the absence of conclusive functional and genetic evidence.